The following is an entry in ClinVar:

ClinVar aggregate classification (germline): Uncertain significance (1 of 4 stars; one submission).

Conditions:
SETD5-related disorder. Also called: SETD5-related disorders; SETD5-related condition.

gnomAD v4.1: 2 of 1,613,952 alleles (0.00012%); highest among the groups gnomAD compares: African/African-American, 0.0013%; no homozygotes.

Submission:

PreventionGenetics, part of Exact Sciences
Classification: Uncertain significance for SETD5-related condition. Last evaluated: 2026-06-18. Review status: criteria provided, single submitter. Criteria: ACMG Guidelines, 2015. Collection method: clinical testing. Allele origin: germline.
Comment: The SETD5 c.923G>A variant is predicted to result in the amino acid substitution p.Arg308Gln. To our knowledge, this variant has not been reported in the literature or in a large population database (gnomAD), indicating this variant is rare. At this time, the clinical significance of this variant is uncertain due to the absence of conclusive functional and genetic evidence.

NM_001080517.3(SETD5):c.923G>A (p.Arg308Gln)

Gene: SETD5 (SET domain containing 5; plus strand). Cytogenetic location: 3p25.3.
Variant type: single nucleotide variant.
Coding change: c.923G>A on transcript NM_001080517.3 (MANE Select); coding-DNA position 923, G replaced by A.
Protein change: p.Arg308Gln; replaces arginine 308 with glutamine.
Molecular consequence: missense variant.
Genome position (GRCh38, 1-based): chr3:9,441,705, G>A. VCF-style: chr3-9441705-G-A. GRCh37 (hg19) VCF-style: chr3-9483389-G-A.
Other names: c.629G>A, p.Arg210Gln (NM_001292043.2, NM_001349451.2); c.1019G>A, p.Arg340Gln (NM_001437633.1); c.980G>A, p.Arg327Gln (NM_001437635.1); c.923G>A, p.Arg308Gln (NM_001437643.1); c.962G>A, p.Arg321Gln (NM_001437701.1); short protein forms R210Q, R308Q, R340Q, R321Q, R327Q.
Identifiers: ClinVar variation 4992083 (VCV004992083.1).
Genomic context (GRCh38, chr3:9,441,705, plus strand): 5'-CTGCAAGAGATTTGGCTTTGGACACTCTTATAATAGAGTATCGTGGGAAAGTCATGTTAC[G>A]ACAGCAATTTGAGGTCAATGGGCATTTCTTCAAAAAGTAAGAACGTCATTCATTGAGCAG-3'
Protein context (NP_001073986.1, residues 298-318): IIEYRGKVML[Arg308Gln]QQFEVNGHFF